The following is an entry in ClinVar:

ClinVar aggregate classification (germline): Conflicting classifications of pathogenicity. Review status: criteria provided, conflicting classifications (1 of 4 stars). 5 submissions from 5 submitters: Uncertain significance (3); Benign (2). Last evaluated 2026-01-19.

Conditions:
KIT-related disorder. Also called: KIT-related condition.
Ovarian cancer. Also called: OVARIAN CANCER, SOMATIC. Identifiers: Orphanet 213500, MedGen C1140680, MONDO:0008170, OMIM 167000.
Hereditary cancer-predisposing syndrome. Also called: Neoplastic Syndromes, Hereditary; Tumor predisposition; Hereditary Cancer Syndrome; Hereditary neoplastic syndrome. Identifiers: Orphanet 140162, MedGen C0027672, MeSH D009386, MONDO:0015356.
Gastrointestinal stromal tumor. Also called: Gastrointestinal stroma tumor; Gastrointestinal stromal tumor, somatic. Identifiers: Orphanet 44890, MedGen C0238198, MeSH D046152, MONDO:0011719, OMIM 606764, HP:0100723.

Allele frequency attached by ClinVar (database versions not stated): gnomAD 0.00001 and 0.00002; TOPMed 0.00002; 1000 Genomes Project 30x 0.00016; 1000 Genomes Project 0.00020.
gnomAD v4.1: 22 of 1,614,006 alleles (0.0014%); highest among the groups gnomAD compares: East Asian, 0.049%; no homozygotes.

Submissions (5):

Labcorp Genetics (formerly Invitae), Labcorp
Classification: Uncertain significance for Gastrointestinal stromal tumor. Last evaluated: 2026-01-19. Review status: criteria provided, single submitter. Criteria: Invitae Variant Classification Sherloc (09022015). Collection method: clinical testing. Allele origin: germline.
Comment: This sequence change replaces methionine, which is neutral and non-polar, with leucine, which is neutral and non-polar, at codon 651 of the KIT protein (p.Met651Leu). The frequency data for this variant in the population databases is considered unreliable, as metrics indicate poor data quality at this position in the gnomAD database. This variant has not been reported in the literature in individuals affected with KIT-related conditions. ClinVar contains an entry for this variant (Variation ID: 409763). An algorithm developed to predict the effect of missense changes on protein structure and function (PolyPhen-2) suggests that this variant is likely to be tolerated. In summary, the available evidence is currently insufficient to determine the role of this variant in disease. Therefore, it has been classified as a Variant of Uncertain Significance.

PreventionGenetics, part of Exact Sciences
Classification: Uncertain significance for KIT-related condition. Last evaluated: 2026-01-06. Review status: criteria provided, single submitter. Criteria: ACMG Guidelines, 2015. Collection method: clinical testing. Allele origin: germline.
Comment: The KIT c.1951A>T variant is predicted to result in the amino acid substitution p.Met651Leu. This variant has been reported as a variant of uncertain significance in an individual with breast cancer (Supplementary table 2, Chen et al. 2020. PubMed ID: 32091409). This variant is reported in 0.10% of alleles in individuals of East Asian descent in gnomAD, which may be too common to be a primary cause of disease. This variant has conflicting interpretations of pathogenicity in ClinVar ranging from benign to uncertain significance (Variation ID: 409763). Although we suspect that this variant may be benign, at this time, the clinical significance of this variant is uncertain due to the absence of conclusive functional and genetic evidence.

Ambry Genetics
Classification: Benign for Hereditary cancer-predisposing syndrome. Last evaluated: 2023-02-14. Review status: criteria provided, single submitter. Criteria: Ambry Variant Classification Scheme 2023. Collection method: clinical testing. Allele origin: germline.

GeneDx
Classification: Uncertain significance. Last evaluated: 2023-02-02. Review status: criteria provided, single submitter. Criteria: GeneDx Variant Classification Process June 2021. Collection method: clinical testing. Allele origin: germline. Affected: yes.
Comment: In silico analysis supports that this missense variant does not alter protein structure/function; Has not been previously published as pathogenic or benign to our knowledge

Laboratory of Molecular Epidemiology of Birth Defects, West China Second University Hospital, Sichuan University
Classification: Benign for Ovarian cancer. Last evaluated: 2022-01-01. Review status: criteria provided, single submitter. Criteria: ACMG Guidelines, 2015. Collection method: clinical testing. Allele origin: germline. Affected: yes.

Literature cited by the submitters: PubMed 31911633 (cited by Ambry Genetics); PubMed 32091409 (cited by Ambry Genetics).

NM_000222.3(KIT):c.1951A>T (p.Met651Leu)

Gene: KIT (KIT proto-oncogene, receptor tyrosine kinase; plus strand). Cytogenetic location: 4q12.
Variant type: single nucleotide variant.
Coding change: c.1951A>T on transcript NM_000222.3 (MANE Select); coding-DNA position 1951, A replaced by T.
Protein change: p.Met651Leu; replaces methionine 651 with leucine.
Molecular consequence: missense variant.
Genome position (GRCh38, 1-based): chr4:54,728,082, A>T. VCF-style: chr4-54728082-A-T. GRCh37 (hg19) VCF-style: chr4-55594248-A-T.
Other names: c.1939A>T, p.Met647Leu (NM_001093772.2, NM_001385286.1); c.1954A>T, p.Met652Leu (NM_001385284.1, NM_001385290.1); c.1951A>T, p.Met651Leu (NM_001385285.1); c.1942A>T, p.Met648Leu (NM_001385288.1, NM_001385292.1); short protein forms M651L, M647L, M648L, M652L.
Identifiers: ClinVar variation 409763 (VCV000409763.18), dbSNP rs534209826, ClinGen allele CA2923614.